The following is an entry in ClinVar:

NM_000053.4(ATP7B):c.2604del (p.Gly869fs)

Gene: ATP7B (ATPase copper transporting beta; minus strand). Cytogenetic location: 13q14.3.
Variant type: Deletion.
Coding change: c.2604del on transcript NM_000053.4 (MANE Select); coding-DNA position 2604, one base deleted (C; older notation c.2604delC).
Protein change: p.Gly869fs; shifts the reading frame from glycine 869.
Molecular consequence: frameshift variant.
Genome position (GRCh38, 1-based): chr13:51,950,133, G deleted on the plus strand (C on the coding strand, the reverse complement: ATP7B is on the minus strand); the first of 3 consecutive G bases (chr13:51,950,133-51,950,135); deleting any one gives the same sequence. VCF-style (leftmost placement, unchanged base first): chr13-51950132-CG-C. GRCh37 (hg19) VCF-style: chr13-52524268-CG-C.
Other names: p.Gly869Glufs*4; c.2604delC (NM_000053.4); c.2118del, p.Gly707fs (NM_001005918.3); c.2271del, p.Gly758fs (NM_001243182.2); c.2370del, p.Gly791fs (NM_001330578.2); c.2352del, p.Gly785fs (NM_001330579.2); short protein forms G869fs, G785fs, G791fs, G707fs, G758fs.
Identifiers: ClinVar variation 1458497 (VCV001458497.15), dbSNP rs1957904411, ClinGen allele CA2091542058.
Genomic context (GRCh38, chr13:51,950,132, plus strand): 5'-GGGTAGCTTTAATGAGCACAGAGCCATGTGCATTTATAGACCCCGCAATTACAGTGCTTC[CG>C]GGTTTCTTAGTGACTGGCATGGCTTCTCCTAGACGTAGGAAAGAGACAACTGTCACTTGC-3'

ClinVar aggregate classification (germline): Pathogenic. Review status: criteria provided, multiple submitters, no conflicts (2 of 4 stars). 6 submissions from 6 submitters: Pathogenic (6). Last evaluated 2025-11-03.

Conditions:
Wilson disease (WND). Also called: Wilson's disease. Identifiers: Orphanet 905, MedGen C0019202, MONDO:0010200, OMIM 277900. Disease mechanism: loss of function.

Submissions (6):

Women's Health and Genetics/Laboratory Corporation of America, LabCorp
Classification: Pathogenic for Wilson disease. Last evaluated: 2025-11-03. Review status: criteria provided, single submitter. Criteria: LabCorp Variant Classification Summary - May 2015. Collection method: clinical testing. Allele origin: germline.
Comment: Variant summary: ATP7B c.2604delC (p.Gly869GlufsX4) results in a premature termination codon, predicted to cause a truncation of the encoded protein or absence of the protein due to nonsense mediated decay, which are commonly known mechanisms for disease. The variant was absent in 249580 control chromosomes. c.2604delC has been observed in individuals affected with Wilson Disease (Mak_2008, Seto_2009). A different variant affecting the same codon has been classified as likely pathogenic/pathogenic by our lab (c.2605G>A, p.Gly869Arg), supporting the critical relevance of codon 869 to ATP7B protein function. To our knowledge, no experimental evidence demonstrating an impact on protein function has been reported. The following publications have been ascertained in the context of this evaluation (PMID: 18760268, 19700008). ClinVar contains an entry for this variant (Variation ID: 1458497). Based on the evidence outlined above, the variant was classified as pathogenic.

Color Diagnostics, LLC DBA Color Health
Classification: Pathogenic for Wilson disease. Last evaluated: 2025-07-07. Review status: criteria provided, single submitter. Criteria: ACMG Guidelines, 2015. Collection method: clinical testing. Allele origin: germline.
Comment: This variant deletes 1 nucleotide in exon 11 of the ATP7B gene, creating a frameshift and premature translation stop signal. This variant is expected to result in an absent or non-functional protein product. This variant has been reported in individuals affected with Wilson disease (PMID: 18034201, 29914392). This variant has not been identified in the general population by the Genome Aggregation Database (gnomAD). Loss of ATP7B function is a known mechanism of disease. Based on the available evidence, this variant is classified as Pathogenic.

Labcorp Genetics (formerly Invitae), Labcorp
Classification: Pathogenic for Wilson disease. Last evaluated: 2024-02-04. Review status: criteria provided, single submitter. Criteria: Invitae Variant Classification Sherloc (09022015). Collection method: clinical testing. Allele origin: germline.
Comment: This sequence change creates a premature translational stop signal (p.Gly869Glufs*4) in the ATP7B gene. It is expected to result in an absent or disrupted protein product. Loss-of-function variants in ATP7B are known to be pathogenic (PMID: 10441329, 16283883). This variant is not present in population databases (gnomAD no frequency). This premature translational stop signal has been observed in individual(s) with Wilson disease (PMID: 18034201, 29914392). In at least one individual the data is consistent with being in trans (on the opposite chromosome) from a pathogenic variant. This variant is also known as p.Pro868Profs*5. ClinVar contains an entry for this variant (Variation ID: 1458497). For these reasons, this variant has been classified as Pathogenic.

All of Us Research Program, National Institutes of Health
Classification: Pathogenic for Wilson disease. Last evaluated: 2023-11-28. Review status: criteria provided, single submitter. Criteria: ACMG Guidelines, 2015. Collection method: clinical testing. Allele origin: germline. Inheritance: Autosomal recessive inheritance. Observed: 1 variant allele, 1 heterozygote.
Comment: This variant is predicted to result in loss of protein function through nonsense-mediated decay or protein truncation. Loss of function is an established mechanism of disease. This variant was detected in at least one affected individual as compound heterozygous (in trans) with a pathogenic variant, which is consistent with autosomal recessive inheritance (PMID: 18034201, 29914392, 35782615). It is absent from or rare in large population databases, including the Genome Aggregation Database.

This study involves interpretation of variants in research participants for the purpose of population health screening. Participant phenotype was not available at the time of variant classification. Additional details can be found in publication PMID: 35346344, PMCID: PMC8962531

Mayo Clinic Laboratories, Mayo Clinic
Classification: Pathogenic. Last evaluated: 2023-02-28. Review status: criteria provided, single submitter. Criteria: ACMG Guidelines, 2015. Collection method: clinical testing. Allele origin: germline. Observed: 3 variant alleles.
Comment: PP4, PM2, PVS1

GeneDx
Classification: Pathogenic. Last evaluated: 2021-11-22. Review status: criteria provided, single submitter. Criteria: GeneDx Variant Classification Process June 2021. Collection method: clinical testing. Allele origin: germline. Affected: yes.
Comment: Frameshift variant predicted to result in protein truncation or nonsense mediated decay in a gene for which loss-of-function is a known mechanism of disease; Not observed at significant frequency in large population cohorts (gnomAD); This variant is associated with the following publications: (PMID: 30275481, 18034201, 29914392)

Literature cited by the submitters: PubMed 18760268 (cited by Women's Health and Genetics/Laboratory Corporation of America, LabCorp); PubMed 19700008 (cited by Women's Health and Genetics/Laboratory Corporation of America, LabCorp); PubMed 18034201 (cited by 3 submitters); PubMed 29914392 (cited by 3 submitters); PubMed 10441329 (cited by Labcorp Genetics (formerly Invitae), Labcorp); PubMed 16283883 (cited by Labcorp Genetics (formerly Invitae), Labcorp); PubMed 35782615 (cited by All of Us Research Program, National Institutes of Health).